The following is an entry in ClinVar:

NM_002295.6(RPSA):c.619C>G (p.Pro207Ala)

Gene: RPSA (ribosomal protein SA; plus strand). Cytogenetic location: 3p22.1.
Variant type: single nucleotide variant.
Coding change: c.619C>G on transcript NM_002295.6 (MANE Select); coding-DNA position 619, C replaced by G.
Protein change: p.Pro207Ala; replaces proline 207 with alanine.
Molecular consequence: missense variant.
Genome position (GRCh38, 1-based): chr3:39,411,769, C>G. VCF-style: chr3-39411769-C-G. GRCh37 (hg19) VCF-style: chr3-39453260-C-G.
Other names: c.634C>G, p.Pro212Ala (NM_001304288.2); short protein forms P212A, P207A.
Identifiers: ClinVar variation 4741037 (VCV004741037.1).

ClinVar aggregate classification (germline): Uncertain significance (1 of 4 stars; one submission).

gnomAD v4.1: 1 of 1,599,764 alleles (0.000063%); highest among the groups gnomAD compares: Non-Finnish European, 0.000085%; no homozygotes.

Submission:

Labcorp Genetics (formerly Invitae), Labcorp
Classification: Uncertain significance. Last evaluated: 2025-10-23. Review status: criteria provided, single submitter. Criteria: Invitae Variant Classification Sherloc (09022015). Collection method: clinical testing. Allele origin: germline.
Comment: This sequence change replaces proline, which is neutral and non-polar, with alanine, which is neutral and non-polar, at codon 207 of the RPSA protein (p.Pro207Ala). This variant is not present in population databases (gnomAD no frequency). This variant has not been reported in the literature in individuals affected with RPSA-related conditions. Invitae Evidence Modeling of protein sequence and biophysical properties (such as structural, functional, and spatial information, amino acid conservation, physicochemical variation, residue mobility, and thermodynamic stability) indicates that this missense variant is not expected to disrupt RPSA protein function with a negative predictive value of 80%. In summary, the available evidence is currently insufficient to determine the role of this variant in disease. Therefore, it has been classified as a Variant of Uncertain Significance.